The following is an entry in ClinVar:

NM_000036.3(AMPD1):c.1470C>T (p.Thr490=)

Gene: AMPD1 (adenosine monophosphate deaminase 1; minus strand). Cytogenetic location: 1p13.2.
Variant type: single nucleotide variant.
Coding change: c.1470C>T on transcript NM_000036.3 (MANE Select); coding-DNA position 1470, C replaced by T.
Protein change: p.Thr490=; no amino-acid change (threonine 490 retained).
Molecular consequence: synonymous variant.
Genome position (GRCh38, 1-based): chr1:114,675,922, G>A on the plus strand (C>T on the coding strand, the complement: AMPD1 is on the minus strand). VCF-style: chr1-114675922-G-A. GRCh37 (hg19) VCF-style: chr1-115218543-G-A.
Other names: c.1458C>T, p.Thr486= (NM_001172626.2).
Identifiers: ClinVar variation 91872 (VCV000091872.1), dbSNP rs587779371, ClinGen allele CA211210.

ClinVar aggregate classification (germline): Likely benign (1 of 4 stars; one submission).

Conditions:
Autism (AUTS). Also called: Autistic disorder; Autistic disorder of childhood onset. Identifiers: MedGen C0004352, MeSH D001321, MONDO:0005260, OMIM 209850, HP:0000717.

Allele frequency attached by ClinVar (database versions not stated): gnomAD exomes below 0.00001; ExAC 0.00001.
gnomAD v4.1: 3 of 1,614,156 alleles (0.00019%); highest among the groups gnomAD compares: Non-Finnish European, 0.00025%; no homozygotes.

Submission:

State Key Lab of Medical Genetics, Central South University
Classification: Likely benign for Autism. Review status: criteria provided, single submitter. Criteria: Submitter's publication. Collection method: reference population. Allele origin: unknown. Affected: yes.
Comment: This variant was also observed in controls.